The following is an entry in ClinVar:

ClinVar aggregate classification (germline): Uncertain significance (1 of 4 stars; one submission).

Conditions:
Hereditary cancer-predisposing syndrome. Also called: Tumor predisposition; Hereditary Cancer Syndrome; Hereditary neoplastic syndrome; Neoplastic Syndromes, Hereditary. Identifiers: Orphanet 140162, MedGen C0027672, MeSH D009386, MONDO:0015356.

Submission:

Ambry Genetics
Classification: Uncertain significance for Hereditary cancer-predisposing syndrome. Last evaluated: 2024-05-23. Review status: criteria provided, single submitter. Criteria: Ambry Variant Classification Scheme 2023. Collection method: clinical testing. Allele origin: germline.
Comment: The p.Q288R variant (also known as c.863A>G), located in coding exon 6 of the NTHL1 gene, results from an A to G substitution at nucleotide position 863. The glutamine at codon 288 is replaced by arginine, an amino acid with highly similar properties. This amino acid position is conserved. In addition, the in silico prediction for this alteration is inconclusive. Based on the available evidence, the clinical significance of this variant remains unclear.

NM_002528.7(NTHL1):c.839A>G (p.Gln280Arg)

Gene: NTHL1 (nth like DNA glycosylase 1; minus strand). Cytogenetic location: 16p13.3.
Variant type: single nucleotide variant.
Coding change: c.839A>G on transcript NM_002528.7 (MANE Select); coding-DNA position 839, A replaced by G.
Protein change: p.Gln280Arg; replaces glutamine 280 with arginine.
Molecular consequence: missense variant.
Genome position (GRCh38, 1-based): chr16:2,040,000, T>C on the plus strand (A>G on the coding strand, the complement: NTHL1 is on the minus strand). VCF-style: chr16-2040000-T-C. GRCh37 (hg19) VCF-style: chr16-2090001-T-C.
Other names: c.668A>G, p.Gln223Arg (NM_001318193.2); c.509A>G, p.Gln170Arg (NM_001318194.2); short protein forms Q170R, Q223R, Q280R.
Identifiers: ClinVar variation 3301249 (VCV003301249.1).